The following is an entry in ClinVar:

NM_002968.3(SALL1):c.1214C>T (p.Pro405Leu)

Gene: SALL1 (spalt like transcription factor 1; minus strand). Cytogenetic location: 16q12.1.
Variant type: single nucleotide variant.
Coding change: c.1214C>T on transcript NM_002968.3 (MANE Select); coding-DNA position 1214, C replaced by T.
Protein change: p.Pro405Leu; replaces proline 405 with leucine.
Molecular consequence: missense variant.
Genome position (GRCh38, 1-based): chr16:51,141,008, G>A on the plus strand (C>T on the coding strand, the complement: SALL1 is on the minus strand). VCF-style: chr16-51141008-G-A. GRCh37 (hg19) VCF-style: chr16-51174919-G-A.
Other names: c.923C>T, p.Pro308Leu (NM_001127892.2); short protein forms P308L, P405L.
Identifiers: ClinVar variation 3637702 (VCV003637702.2).

ClinVar aggregate classification (germline): Uncertain significance (1 of 4 stars; one submission).

Conditions:
Townes syndrome (TBS). Also called: Townes-Brocks syndrome. Identifiers: Orphanet 857, MedGen C0265246, MeSH C536974, MONDO:0007142.

Submission:

Labcorp Genetics (formerly Invitae), Labcorp
Classification: Uncertain significance for Townes syndrome. Last evaluated: 2024-10-16. Review status: criteria provided, single submitter. Criteria: Invitae Variant Classification Sherloc (09022015). Collection method: clinical testing. Allele origin: germline.
Comment: This sequence change replaces proline, which is neutral and non-polar, with leucine, which is neutral and non-polar, at codon 405 of the SALL1 protein (p.Pro405Leu). This variant is not present in population databases (gnomAD no frequency). This variant has not been reported in the literature in individuals affected with SALL1-related conditions. Invitae Evidence Modeling of protein sequence and biophysical properties (such as structural, functional, and spatial information, amino acid conservation, physicochemical variation, residue mobility, and thermodynamic stability) indicates that this missense variant is expected to disrupt SALL1 protein function with a positive predictive value of 80%. In summary, the available evidence is currently insufficient to determine the role of this variant in disease. Therefore, it has been classified as a Variant of Uncertain Significance.